The following is an entry in ClinVar:

ClinVar aggregate classification (germline): Pathogenic/Likely pathogenic. Review status: criteria provided, multiple submitters, no conflicts (2 of 4 stars). 3 submissions from 3 submitters: Pathogenic (1); Likely pathogenic (2). Last evaluated 2025-05-14.

Conditions:
USH2A-related disorder. Also called: USH2A-related condition; USH2A-related disorders. Identifiers: MedGen CN239332.
Usher syndrome type 2A. Also called: USHER SYNDROME, TYPE IIA; RETINAL DISEASE IN USHER SYNDROME TYPE IIA, MODIFIER OF. Identifiers: Orphanet 231178, Orphanet 886, MedGen C1848634, MONDO:0010169, OMIM 276901.

Allele frequency attached by ClinVar (database versions not stated): gnomAD exomes below 0.00001; gnomAD 0.00001.

Submissions (3):

Natera, Inc.
Classification: Likely pathogenic for Usher syndrome type 2A. Last evaluated: 2025-05-14. Review status: criteria provided, single submitter. Criteria: Natera Variant Classification Schema (03/2026). Collection method: clinical testing. Allele origin: germline.
Comment: The c.12641del variant in USH2A is a frameshift variant predicted to shift the reading frame beginning at codon 4214 and leads to a stop codon 43 codons downstream. This variant is expected to result in nonsense mediated decay, truncation, or a dysfunctional protein product. This variant is rare in the general population with a frequency below the threshold expected for the associated phenotype(s). Given the available evidence, this variant is classified as Likely Pathogenic.

Labcorp Genetics (formerly Invitae), Labcorp
Classification: Pathogenic. Last evaluated: 2023-12-13. Review status: criteria provided, single submitter. Criteria: Invitae Variant Classification Sherloc (09022015). Collection method: clinical testing. Allele origin: germline.
Comment: This sequence change creates a premature translational stop signal (p.Thr4214Lysfs*43) in the USH2A gene. It is expected to result in an absent or disrupted protein product. Loss-of-function variants in USH2A are known to be pathogenic (PMID: 10729113, 10909849, 20507924, 25649381). This variant is not present in population databases (gnomAD no frequency). This variant has not been reported in the literature in individuals affected with USH2A-related conditions. For these reasons, this variant has been classified as Pathogenic.

Blueprint Genetics
Classification: Likely pathogenic for USH2A-related disorders. Last evaluated: 2023-06-15. Review status: criteria provided, single submitter. Criteria: ACMG Guidelines, 2015. Collection method: clinical testing. Allele origin: germline. Affected: yes. Observed: 1 variant allele.

Literature cited by the submitters: PubMed 10729113 (cited by Labcorp Genetics (formerly Invitae), Labcorp); PubMed 10909849 (cited by Labcorp Genetics (formerly Invitae), Labcorp); PubMed 20507924 (cited by Labcorp Genetics (formerly Invitae), Labcorp); PubMed 25649381 (cited by Labcorp Genetics (formerly Invitae), Labcorp).

NM_206933.4(USH2A):c.12641del (p.Thr4214fs)

Gene: USH2A (usherin; minus strand). Cytogenetic location: 1q41.
Variant type: Deletion.
Coding change: c.12641del on transcript NM_206933.4 (MANE Select); coding-DNA position 12641, one base deleted (C; older notation c.12641delC).
Protein change: p.Thr4214fs; shifts the reading frame from threonine 4214.
Molecular consequence: frameshift variant.
Genome position (GRCh38, 1-based): chr1:215,675,270, G deleted on the plus strand (C on the coding strand, the reverse complement: USH2A is on the minus strand). VCF-style (leftmost placement, unchanged base first): chr1-215675269-TG-T. GRCh37 (hg19) VCF-style: chr1-215848611-TG-T.
Other names: c.12641del (NM_206933.2); short protein forms T4214fs.
Identifiers: ClinVar variation 2702672 (VCV002702672.6), dbSNP rs1657981723, ClinGen allele CA1012179146.